The following is an entry in ClinVar:

ClinVar aggregate classification (germline): Likely benign. Review status: criteria provided, multiple submitters, no conflicts (2 of 4 stars). 2 submissions from 2 submitters: Likely benign (2). Last evaluated 2025-09-01.

Allele frequency attached by ClinVar (database versions not stated): gnomAD 0.00001; gnomAD exomes 0.00001 and 0.00003; ExAC 0.00004; TOPMed 0.00004.

Submissions (2):

CeGaT Center for Human Genetics Tuebingen
Classification: Likely benign. Last evaluated: 2025-09-01. Review status: criteria provided, single submitter. Criteria: CeGaT Center For Human Genetics Tuebingen Variant Classification Criteria Version 2. Collection method: clinical testing. Allele origin: germline. Affected: yes. Observed: 1 variant allele.
Comment: XPC: BP4, BP7

Labcorp Genetics (formerly Invitae), Labcorp
Classification: Likely benign. Last evaluated: 2024-02-19. Review status: criteria provided, single submitter. Criteria: Invitae Variant Classification Sherloc (09022015). Collection method: clinical testing. Allele origin: germline.

NM_004628.5(XPC):c.2049T>A (p.Thr683=)

Gene: XPC (XPC complex subunit, DNA damage recognition and repair factor; minus strand). Cytogenetic location: 3p25.1.
Variant type: single nucleotide variant.
Coding change: c.2049T>A on transcript NM_004628.5 (MANE Select); coding-DNA position 2049, T replaced by A.
Protein change: p.Thr683=; no amino-acid change (threonine 683 retained).
Molecular consequence: synonymous variant. On other transcripts: non-coding transcript variant (2).
Genome position (GRCh38, 1-based): chr3:14,152,401, A>T on the plus strand (T>A on the coding strand, the complement: XPC is on the minus strand). VCF-style: chr3-14152401-A-T. GRCh37 (hg19) VCF-style: chr3-14193901-A-T.
Other names: c.1470T>A, p.Thr490= (NM_001354726.2); c.2043T>A, p.Thr681= (NM_001354727.2); c.2031T>A, p.Thr677= (NM_001354729.2); c.1803T>A, p.Thr601= (NM_001354730.2).
Identifiers: ClinVar variation 1142766 (VCV001142766.16), dbSNP rs768068158, ClinGen allele CA2267280.